The following is an entry in ClinVar:

ClinVar aggregate classification (germline): Pathogenic (1 of 4 stars; one submission).

Conditions:
Early-infantile DEE. Also called: Ohtahara syndrome; Early infantile epileptic encephalopathy with suppression bursts; Early infantile epileptic encephalopathy. Identifiers: Orphanet 1934, MedGen C0393706, MONDO:0800491.

Submission:

Labcorp Genetics (formerly Invitae), Labcorp
Classification: Pathogenic for Early-infantile DEE. Last evaluated: 2022-09-27. Review status: criteria provided, single submitter. Criteria: Invitae Variant Classification Sherloc (09022015). Collection method: clinical testing. Allele origin: germline.
Comment: For these reasons, this variant has been classified as Pathogenic. This variant has not been reported in the literature in individuals affected with KCNQ2-related conditions. This variant is not present in population databases (gnomAD no frequency). This sequence change creates a premature translational stop signal (p.Gln188Argfs*21) in the KCNQ2 gene. It is expected to result in an absent or disrupted protein product. Loss-of-function variants in KCNQ2 are known to be pathogenic (PMID: 14534157, 23692823, 27779742).

Literature cited by the submitters: PubMed 14534157; PubMed 23692823; PubMed 27779742.

NM_172107.4(KCNQ2):c.562del (p.Gln188fs)

Gene: KCNQ2 (potassium voltage-gated channel subfamily Q member 2; minus strand). Cytogenetic location: 20q13.33.
Variant type: Deletion.
Coding change: c.562del on transcript NM_172107.4 (MANE Select); coding-DNA position 562, one base deleted (C; older notation c.562delC).
Protein change: p.Gln188fs; shifts the reading frame from glutamine 188.
Molecular consequence: frameshift variant.
Genome position (GRCh38, 1-based): chr20:63,444,787, G deleted on the plus strand (C on the coding strand, the reverse complement: KCNQ2 is on the minus strand); the first of 3 consecutive G bases (chr20:63,444,787-63,444,789); deleting any one gives the same sequence. VCF-style (leftmost placement, unchanged base first): chr20-63444786-TG-T. GRCh37 (hg19) VCF-style: chr20-62076139-TG-T.
Other names: c.562del, p.Gln188fs (NM_001382235.1, NM_004518.6, NM_172106.3 and 2 more transcripts); short protein forms Q188fs.
Identifiers: ClinVar variation 2033050 (VCV002033050.4), dbSNP rs2516504404, ClinGen allele CA2580098404.
Genomic context (GRCh38, chr20:63,444,786, plus strand): 5'-ATCCGCAGAATCTGCAGGAAGCGCAGGCTCCGGAGCGCAGATGTGGCAAAGACGTTGCCC[TG>T]GGAGCCGGCGGCCAGCACCGCAATGGAGGCGATGAGCACCATGATGTCTACAAAGCGGGC-3'